The following is an entry in ClinVar:

ClinVar aggregate classification (germline): Benign (0 of 4 stars; one submission).

Conditions:
THBS2-related disorder. Also called: THBS2-related condition.

Allele frequency attached by ClinVar (database versions not stated): gnomAD exomes 0.00020; ExAC 0.00072; gnomAD 0.00218; TOPMed 0.00233; 1000 Genomes Project 0.00319; ESP Exome Variant Server 0.00361; 1000 Genomes Project 30x 0.00422.
gnomAD v4.1: 634 of 1,613,486 alleles (0.039%); highest among the groups gnomAD compares: African/African-American, 0.74%; 3 homozygotes.

Submission:

PreventionGenetics, part of Exact Sciences
Classification: Benign for THBS2-related condition. Last evaluated: 2019-06-13. Review status: no assertion criteria provided. Collection method: clinical testing. Allele origin: germline.
Comment: This variant is classified as benign based on ACMG/AMP sequence variant interpretation guidelines (Richards et al. 2015 PMID: 25741868, with internal and published modifications).

NM_003247.5(THBS2):c.893C>T (p.Ser298Leu)

Genes: THBS2 (thrombospondin 2; minus strand), LOC126859909 (P300/CBP strongly-dependent group 1 enhancer GRCh37_chr6:169639978-169641177; plus strand). Cytogenetic location: 6q27.
Variant type: single nucleotide variant.
Coding change: c.893C>T on transcript NM_003247.5 (MANE Select); coding-DNA position 893, C replaced by T.
Protein change: p.Ser298Leu; replaces serine 298 with leucine.
Molecular consequence: missense variant. On other transcripts: non-coding transcript variant (2).
Genome position (GRCh38, 1-based): chr6:169,240,591, G>A on the plus strand (C>T on the coding strand, the complement: THBS2 is on the minus strand). VCF-style: chr6-169240591-G-A. GRCh37 (hg19) VCF-style: chr6-169640686-G-A.
Other names: c.893C>T, p.Ser298Leu (NM_001381939.1, NM_001381940.1); c.662C>T, p.Ser221Leu (NM_001381942.1); short protein forms S221L, S298L.
Identifiers: ClinVar variation 3033637 (VCV003033637.2), dbSNP rs148807753, ClinGen allele CA4103482.